The following is an entry in ClinVar:

NM_000860.6(HPGD):c.432C>T (p.Pro144=)

Gene: HPGD (15-hydroxyprostaglandin dehydrogenase; minus strand). Cytogenetic location: 4q34.1.
Variant type: single nucleotide variant.
Coding change: c.432C>T on transcript NM_000860.6 (MANE Select); coding-DNA position 432, C replaced by T.
Protein change: p.Pro144=; no amino-acid change (proline 144 retained).
Molecular consequence: synonymous variant. On other transcripts: intron variant (1).
Genome position (GRCh38, 1-based): chr4:174,495,614, G>A on the plus strand (C>T on the coding strand, the complement: HPGD is on the minus strand). VCF-style: chr4-174495614-G-A. GRCh37 (hg19) VCF-style: chr4-175416765-G-A.
Other names: c.432C>T, p.Pro144= (NM_001145816.3); c.69C>T, p.Pro23= (NM_001256301.1, NM_001256307.2); c.228C>T, p.Pro76= (NM_001256306.2); c.422-3520C>T (NM_001256305.2).
Identifiers: ClinVar variation 727926 (VCV000727926.16), dbSNP rs148100548, ClinGen allele CA3142263.

ClinVar aggregate classification (germline): Benign/Likely benign. Review status: criteria provided, multiple submitters, no conflicts (2 of 4 stars). 5 submissions from 4 submitters: Benign (1); Likely benign (3). 1 of the submissions does not count toward it. Last evaluated 2025-12-26.

Conditions:
HPGD-related disorder. Also called: HPGD-related disorders; HPGD-related condition.
Hypertrophic osteoarthropathy, primary, autosomal recessive, 1 (PHOAR1). Also called: PHO, AUTOSOMAL RECESSIVE. Identifiers: Orphanet 1525, Orphanet 2796, MedGen C4551679, MONDO:0024546, OMIM 259100.
Isolated congenital digital clubbing. Also called: ACROPACHY, HEREDITARY; CLUBBING OF DIGITS. Identifiers: Orphanet 217059, MedGen C0345408, MONDO:0007343, OMIM 119900.

Allele frequency attached by ClinVar (database versions not stated): gnomAD exomes 0.00039; ExAC 0.00040; 1000 Genomes Project 30x 0.00078; 1000 Genomes Project 0.00100; gnomAD 0.00162; TOPMed 0.00163; ESP Exome Variant Server 0.00208.
gnomAD v4.1: 496 of 1,612,502 alleles (0.031%); highest among the groups gnomAD compares: African/African-American, 0.55%; no homozygotes.

Submissions (5):

Labcorp Genetics (formerly Invitae), Labcorp
Classification: Benign. Last evaluated: 2025-12-26. Review status: criteria provided, single submitter. Criteria: Invitae Variant Classification Sherloc (09022015). Collection method: clinical testing. Allele origin: germline.

Blueprint Genetics
Classification: Likely benign. Last evaluated: 2024-11-13. Review status: criteria provided, single submitter. Criteria: ACMG Guidelines, 2015. Collection method: clinical testing. Allele origin: germline.

Illumina Laboratory Services, Illumina
Classification: Likely benign for Hypertrophic osteoarthropathy, primary, autosomal recessive, 1. Last evaluated: 2018-01-13. Review status: criteria provided, single submitter. Criteria: ICSL Variant Classification Criteria 13 December 2019. Collection method: clinical testing. Allele origin: germline.
Comment: This variant was observed in the ICSL laboratory as part of a predisposition screen in an ostensibly healthy population. It had not been previously curated by ICSL or reported in the Human Gene Mutation Database (HGMD: prior to June 1st, 2018), and was therefore a candidate for classification through an automated scoring system. Utilizing variant allele frequency, disease prevalence and penetrance estimates, and inheritance mode, an automated score was calculated to assess if this variant is too frequent to cause the disease. Based on the score and internal cut-off values, a variant classified as likely benign is not then subjected to further curation. The score for this variant resulted in a classification of likely benign for this disease.

Illumina Laboratory Services, Illumina
Classification: Likely benign for Isolated congenital digital clubbing. Last evaluated: 2018-01-13. Review status: criteria provided, single submitter. Criteria: ICSL Variant Classification Criteria 13 December 2019. Collection method: clinical testing. Allele origin: germline.
Comment: the same text as in the submission from Illumina Laboratory Services, Illumina above.

PreventionGenetics, part of Exact Sciences
Classification: Likely benign for HPGD-related condition. Last evaluated: 2020-01-29. Review status: no assertion criteria provided. Collection method: clinical testing. Allele origin: germline. Not counted in ClinVar's aggregate classification.
Comment: This variant is classified as likely benign based on ACMG/AMP sequence variant interpretation guidelines (Richards et al. 2015 PMID: 25741868, with internal and published modifications).